The following is an entry in ClinVar:

NM_000094.4(COL7A1):c.6517A>T (p.Arg2173Ter)

Gene: COL7A1 (collagen type VII alpha 1 chain; minus strand). Cytogenetic location: 3p21.31.
Variant type: single nucleotide variant.
Coding change: c.6517A>T on transcript NM_000094.4 (MANE Select); coding-DNA position 6517, A replaced by T.
Protein change: p.Arg2173Ter; replaces arginine 2173 with a stop codon.
Molecular consequence: nonsense.
Genome position (GRCh38, 1-based): chr3:48,573,875, T>A on the plus strand (A>T on the coding strand, the complement: COL7A1 is on the minus strand). VCF-style: chr3-48573875-T-A. GRCh37 (hg19) VCF-style: chr3-48611308-T-A.
Other names: short protein forms R2173*.
Identifiers: ClinVar variation 1437974 (VCV001437974.6), dbSNP rs1437740725, ClinGen allele CA352657487.

ClinVar aggregate classification (germline): Pathogenic (1 of 4 stars; one submission).

Submission:

Labcorp Genetics (formerly Invitae), Labcorp
Classification: Pathogenic. Last evaluated: 2021-04-10. Review status: criteria provided, single submitter. Criteria: Invitae Variant Classification Sherloc (09022015). Collection method: clinical testing. Allele origin: germline.
Comment: This variant is not present in population databases (ExAC no frequency). This sequence change creates a premature translational stop signal (p.Arg2173*) in the COL7A1 gene. It is expected to result in an absent or disrupted protein product. Loss-of-function variants in COL7A1 are known to be pathogenic (PMID: 16971478). This variant has not been reported in the literature in individuals with COL7A1-related conditions. For these reasons, this variant has been classified as Pathogenic.

Literature cited by the submitters: PubMed 16971478.